The following is an entry in ClinVar:

ClinVar aggregate classification (germline): Benign (1 of 4 stars; one submission).

Conditions:
Melanoma-pancreatic cancer syndrome. Identifiers: Orphanet 404560, MedGen C1838547, MONDO:0011713, OMIM 606719. Disease mechanism: loss of function.

Submission:

Myriad Genetics, Inc.
Classification: Benign for Melanoma-pancreatic cancer syndrome. Last evaluated: 2025-08-18. Review status: criteria provided, single submitter. Criteria: Myriad Autosomal Dominant, Autosomal Recessive and X-Linked Classification Criteria (2023). Collection method: clinical testing. Allele origin: unknown.
Comment: This variant is considered benign. This variant is intronic and is not expected to impact mRNA splicing.

NM_000077.5(CDKN2A):c.458-35G>T

Gene: CDKN2A (cyclin dependent kinase inhibitor 2A; minus strand). Cytogenetic location: 9p21.3.
Variant type: single nucleotide variant.
Coding change: c.458-35G>T on transcript NM_000077.5 (MANE Select); 35 bases into the intron before coding-DNA position 458, G replaced by T.
Molecular consequence: intron variant.
Genome position (GRCh38, 1-based): chr9:21,968,277, C>A on the plus strand (G>T on the coding strand, the complement: CDKN2A is on the minus strand). VCF-style: chr9-21968277-C-A. GRCh37 (hg19) VCF-style: chr9-21968276-C-A.
Other names: c.305-35G>T (NM_001363763.2); c.*102-35G>T (NM_058195.4); c.*151-35G>T (NM_001195132.2); c.*381-35G>T (NM_058197.5).
Identifiers: ClinVar variation 4294217 (VCV004294217.1).